The following is an entry in ClinVar:

NM_020911.2(PLXNA4):c.1371+4411A>G

Gene: PLXNA4 (plexin A4; minus strand). Cytogenetic location: 7q32.3.
Variant type: single nucleotide variant.
Coding change: c.1371+4411A>G on transcript NM_020911.2 (MANE Select); 4411 bases into the intron after coding-DNA position 1371, A replaced by G.
Molecular consequence: intron variant. On other transcripts: missense variant (1).
Genome position (GRCh38, 1-based): chr7:132,484,881, T>C on the plus strand (A>G on the coding strand, the complement: PLXNA4 is on the minus strand). VCF-style: chr7-132484881-T-C. GRCh37 (hg19) VCF-style: chr7-132169640-T-C.
Other names: c.1504A>G, p.Ile502Val (NM_181775.4); c.1371+4411A>G (NM_001393897.1, NM_001105543.2); short protein forms I502V.
Identifiers: ClinVar variation 3353522 (VCV003353522.2).
Genomic context (GRCh38, chr7:132,484,881, plus strand): 5'-AAGAATTCCCAGGTACATTTAGGAAGCAACAAAGCAGAGGCTGGACTCTCTGATCTGATA[T>C]TGCTTTGTGACTTGAGCACTGAAGATACACACACAGCATCTGTTCCTGAGAAGCAATGTT-3'

ClinVar aggregate classification (germline): Uncertain significance (1 of 4 stars; one submission).

Conditions:
PLXNA4-related disorder. Also called: PLXNA4-related condition.

gnomAD v4.1: 2 of 1,614,212 alleles (0.00012%); highest among the groups gnomAD compares: African/African-American, 0.0013%; no homozygotes.

Submission:

PreventionGenetics, part of Exact Sciences
Classification: Uncertain significance for PLXNA4-related condition. Last evaluated: 2025-10-27. Review status: criteria provided, single submitter. Criteria: ACMG Guidelines, 2015. Collection method: clinical testing. Allele origin: germline.
Comment: The PLXNA4 c.1504A>G variant is predicted to result in the amino acid substitution p.Ile502Val. To our knowledge, this variant has not been reported in the literature or in a large population database (gnomAD), indicating this variant is rare. At this time, the clinical significance of this variant is uncertain due to the absence of conclusive functional and genetic evidence.